The following is an entry in ClinVar:

NM_006648.4(WNK2):c.6533C>T (p.Ala2178Val)

Gene: WNK2 (WNK lysine deficient protein kinase 2; plus strand). Cytogenetic location: 9q22.31.
Variant type: single nucleotide variant.
Coding change: c.6533C>T on transcript NM_006648.4 (MANE Select); coding-DNA position 6533, C replaced by T.
Protein change: p.Ala2178Val; replaces alanine 2178 with valine.
Molecular consequence: missense variant.
Genome position (GRCh38, 1-based): chr9:93,317,536, C>T. VCF-style: chr9-93317536-C-T. GRCh37 (hg19) VCF-style: chr9-96079818-C-T.
Other names: c.6644C>T, p.Ala2215Val (NM_001282394.3); short protein forms A2215V, A2178V.
Identifiers: ClinVar variation 3816765 (VCV003816765.1).
Genomic context (GRCh38, chr9:93,317,536, plus strand): 5'-TGCAGCCACGTGTACCTTCCTCTTCTCGTCTCTGTGTTTTGTAGATGACCGCACCTCGAG[C>T]AGGAGTGGGGATGCCACGTCTGCCCCCAGCGCCCGGCCCTCTGTCCACCACGGTCATTCC-3'
Protein context (NP_006639.3, residues 2168-2188): GEARAMTAPR[Ala2178Val]GVGMPRLPPA

ClinVar aggregate classification (germline): Uncertain significance (1 of 4 stars; one submission).

gnomAD v4.1: 1 of 1,613,762 alleles (0.000062%); highest among the groups gnomAD compares: Non-Finnish European, 0.000085%; no homozygotes.

Submission:

Ambry Genetics
Classification: Uncertain significance. Last evaluated: 2025-01-06. Review status: criteria provided, single submitter. Criteria: Ambry Variant Classification Scheme 2023. Collection method: clinical testing. Allele origin: germline.
Comment: The p.A2178V variant (also known as c.6533C>T), located in coding exon 28 of the WNK2 gene, results from a C to T substitution at nucleotide position 6533. The alanine at codon 2178 is replaced by valine, an amino acid with similar properties. This amino acid position is conserved. In addition, this alteration is predicted to be tolerated by in silico analysis. Based on the available evidence, the clinical significance of this variant remains unclear.